The following is an entry in ClinVar:

NM_001277115.2(DNAH11):c.4124G>A (p.Arg1375His)

Gene: DNAH11 (dynein axonemal heavy chain 11; plus strand). Cytogenetic location: 7p15.3.
Variant type: single nucleotide variant.
Coding change: c.4124G>A on transcript NM_001277115.2 (MANE Select); coding-DNA position 4124, G replaced by A.
Protein change: p.Arg1375His; replaces arginine 1375 with histidine.
Molecular consequence: missense variant.
Genome position (GRCh38, 1-based): chr7:21,617,647, G>A. VCF-style: chr7-21617647-G-A. GRCh37 (hg19) VCF-style: chr7-21657265-G-A.
Other names: short protein forms R1375H.
Identifiers: ClinVar variation 238915 (VCV000238915.33), dbSNP rs151018293, ClinGen allele CA4179909.

ClinVar aggregate classification (germline): Benign/Likely benign. Review status: criteria provided, multiple submitters, no conflicts (2 of 4 stars). 3 submissions from 3 submitters: Benign (1); Likely benign (2). Last evaluated 2026-01-31.

Conditions:
Primary ciliary dyskinesia. Also called: Ciliary dyskinesia. Identifiers: Orphanet 244, MedGen C0008780, MONDO:0016575, HP:0012265.

Allele frequency attached by ClinVar (database versions not stated): ExAC 0.00110; gnomAD 0.00308 and 0.00330; TOPMed 0.00356; ESP Exome Variant Server 0.00426; 1000 Genomes Project 0.00439; 1000 Genomes Project 30x 0.00500.
gnomAD v4.1: 1,035 of 1,613,826 alleles (0.064%); highest among the groups gnomAD compares: African/African-American, 1.1%; 9 homozygotes.

Submissions (3):

Labcorp Genetics (formerly Invitae), Labcorp
Classification: Benign for Primary ciliary dyskinesia. Last evaluated: 2026-01-31. Review status: criteria provided, single submitter. Criteria: Invitae Variant Classification Sherloc (09022015). Collection method: clinical testing. Allele origin: germline.

Blueprint Genetics
Classification: Likely benign. Last evaluated: 2024-09-13. Review status: criteria provided, single submitter. Criteria: ACMG Guidelines, 2015. Collection method: clinical testing. Allele origin: germline.

CeGaT Center for Human Genetics Tuebingen
Classification: Likely benign. Last evaluated: 2024-08-01. Review status: criteria provided, single submitter. Criteria: CeGaT Center For Human Genetics Tuebingen Variant Classification Criteria Version 2. Collection method: clinical testing. Allele origin: germline. Affected: yes. Observed: 1 variant allele.
Comment: DNAH11: BP4, BS1